The following is an entry in ClinVar:

ClinVar aggregate classification (germline): Pathogenic (1 of 4 stars; one submission).

Submission:

GeneDx
Classification: Pathogenic. Last evaluated: 2016-10-11. Review status: criteria provided, single submitter. Criteria: GeneDx Variant Classification (06012015). Collection method: clinical testing. Allele origin: germline. Affected: yes.
Comment: The R237P variant in the TBX5 gene has been reported previously in a father and child with Holt-Oram syndrome (Boogerd et al., 2010). The R237P variant was not observed in approximately 6500 individuals of European and African American ancestry in the NHLBI Exome Sequencing Project, indicating it is not a common benign variant in these populations. The R237P variant is a non-conservative amino acid substitution, which is likely to impact secondary protein structure as these residues differ in polarity, charge, size and/or other properties. This substitution occurs at a position that is conserved across species. Functional studies demonstrate that R237P-TBX5 has decreased DNA-binding activity and diminished interaction with NKX2-5 (Boogerd et al., 2010). A missense variant at the same residue (R237Q) has been reported in association with Holt-Oram Syndrome (Stenson et al., 2014), supporting the functional importance of this region of the protein. We interpret R237P as a pathogenic variant.

NM_181486.4(TBX5):c.710G>C (p.Arg237Pro)

Gene: TBX5 (T-box transcription factor 5; minus strand). Cytogenetic location: 12q24.21.
Variant type: single nucleotide variant.
Coding change: c.710G>C on transcript NM_181486.4 (MANE Select); coding-DNA position 710, G replaced by C.
Protein change: p.Arg237Pro; replaces arginine 237 with proline.
Molecular consequence: missense variant.
Genome position (GRCh38, 1-based): chr12:114,385,521, C>G on the plus strand (G>C on the coding strand, the complement: TBX5 is on the minus strand). VCF-style: chr12-114385521-C-G. GRCh37 (hg19) VCF-style: chr12-114823326-C-G.
Other names: c.710G>C, p.Arg237Pro (NM_000192.3); c.560G>C, p.Arg187Pro (NM_080717.4); short protein forms R237P, R187P.
Identifiers: ClinVar variation 372783 (VCV000372783.2), dbSNP rs104894378, ClinGen allele CA16042869.